The following is an entry in ClinVar:

NM_177438.3(DICER1):c.3179G>A (p.Arg1060His)

Gene: DICER1 (dicer 1, ribonuclease III; minus strand). Cytogenetic location: 14q32.13.
Variant type: single nucleotide variant.
Coding change: c.3179G>A on transcript NM_177438.3 (MANE Select); coding-DNA position 3179, G replaced by A.
Protein change: p.Arg1060His; replaces arginine 1060 with histidine.
Molecular consequence: missense variant. On other transcripts: non-coding transcript variant (6).
Genome position (GRCh38, 1-based): chr14:95,105,161, C>T on the plus strand (G>A on the coding strand, the complement: DICER1 is on the minus strand). VCF-style: chr14-95105161-C-T. GRCh37 (hg19) VCF-style: chr14-95571498-C-T.
Other names: NM_177438.3(DICER1):c.3179G>A; p.Arg1060His; c.3179G>A, p.Arg1060His (NM_001195573.1, NM_001271282.3, NM_001291628.2 and 13 more transcripts); c.2897G>A, p.Arg966His (NM_001395686.1); c.2774G>A, p.Arg925His (NM_001395687.1, NM_001395688.1, NM_001395689.1 and 2 more transcripts); c.2612G>A, p.Arg871His (NM_001395691.1); c.1496G>A, p.Arg499His (NM_001395697.1); short protein forms R966H, R871H, R1060H, R499H, R925H.
Identifiers: ClinVar variation 2903970 (VCV002903970.5), dbSNP rs1566771488, ClinGen allele CA390876635.
Genomic context (GRCh38, chr14:95,105,161, plus strand): 5'-ACGCCAGCATCGCTGGCAGTCTGGGCTCTTAGCTCCTCTGCAGTCAAAAGGCAGTGAAGG[C>T]GATAAAGTATGCTGGGGAGACAAACAGCTTTTCTCCACAGTGATGCTGGAATTGGATGTA-3'
Protein context (NP_803187.1, residues 1050-1070): KAVCLPSILY[Arg1060His]LHCLLTAEEL

ClinVar aggregate classification (germline): Uncertain significance. Review status: reviewed by expert panel (3 of 4 stars). 3 submissions from 3 submitters: Uncertain significance (1). 2 of the submissions do not count toward it. Last evaluated 2026-01-06.

Conditions:
DICER1-related tumor predisposition. Also called: DICER1-related pleuropulmonary blastoma cancer predisposition syndrome; DICER1 syndrome. Identifiers: Orphanet 284343, MedGen C3839822, MONDO:0100216.
Hereditary cancer-predisposing syndrome. Also called: Tumor predisposition; Neoplastic Syndromes, Hereditary; Hereditary Cancer Syndrome; Hereditary neoplastic syndrome. Identifiers: Orphanet 140162, MedGen C0027672, MeSH D009386, MONDO:0015356.

Submissions (3):

ClinGen DICER1 and miRNA-Processing Gene Variant Curation Expert Panel, ClinGen
Classification: Uncertain significance for DICER1-related tumor predisposition. Last evaluated: 2026-01-06. Review status: reviewed by expert panel. Criteria: ClinGen DICER1 ACMG Specifications DICER1 V1.4.0. Collection method: curation. Allele origin: germline. Inheritance: Autosomal dominant inheritance.
Comment: The NM_177438.3:c.3179G>A variant in DICER1 is a missense variant predicted to cause substitution of arginine by histidine at amino acid 1060 (p.Arg1060His). Although this variant has been observed in individuals with developmental delay undergoing genetic sequencing, to our knowledge, this variant has not been reported in individuals with DICER1-related tumor predisposition (PS4 not met; Internal lab contributors). This variant is absent from gnomAD v4.1.0 (PM2_Supporting). In summary, this variant meets the criteria to be classified as Uncertain Significance for DICER1-related tumor predisposition based on the ACMG/AMP criteria applied, as specified by the ClinGen DICER1 VCEP: PM2_Supporting. (Bayesian Points: 1; VCEP specifications version 1.4.0; 01/06/2026)

Ambry Genetics
Classification: Uncertain significance for Hereditary cancer-predisposing syndrome. Last evaluated: 2026-03-04. Review status: criteria provided, single submitter. Criteria: Ambry Variant Classification Scheme 2023. Collection method: clinical testing. Allele origin: germline. Not counted in ClinVar's aggregate classification.
Comment: The p.R1060H variant (also known as c.3179G>A), located in coding exon 19 of the DICER1 gene, results from a G to A substitution at nucleotide position 3179. The arginine at codon 1060 is replaced by histidine, an amino acid with highly similar properties. This amino acid position is highly conserved in available vertebrate species. In addition, this alteration is predicted to be deleterious by in silico analysis. Based on the available evidence, the clinical significance of this variant remains unclear.

Labcorp Genetics (formerly Invitae), Labcorp
Classification: Uncertain significance for DICER1-related tumor predisposition. Last evaluated: 2023-11-27. Review status: criteria provided, single submitter. Criteria: Invitae Variant Classification Sherloc (09022015). Collection method: clinical testing. Allele origin: germline. Not counted in ClinVar's aggregate classification.
Comment: This sequence change replaces arginine, which is basic and polar, with histidine, which is basic and polar, at codon 1060 of the DICER1 protein (p.Arg1060His). This variant is not present in population databases (gnomAD no frequency). This variant has not been reported in the literature in individuals affected with DICER1-related conditions. Advanced modeling of protein sequence and biophysical properties (such as structural, functional, and spatial information, amino acid conservation, physicochemical variation, residue mobility, and thermodynamic stability) performed at Invitae indicates that this missense variant is expected to disrupt DICER1 protein function with a positive predictive value of 80%. In summary, the available evidence is currently insufficient to determine the role of this variant in disease. Therefore, it has been classified as a Variant of Uncertain Significance.